The following is an entry in ClinVar:

ClinVar aggregate classification (germline): Conflicting classifications of pathogenicity. Review status: criteria provided, conflicting classifications (1 of 4 stars). 2 submissions from 2 submitters: Uncertain significance (1); Likely benign (1). Last evaluated 2025-10-21.

Conditions:
Inborn genetic diseases. Identifiers: MedGen C0950123, MeSH D030342.

gnomAD v4.1: 3 of 1,614,036 alleles (0.00019%); highest among the groups gnomAD compares: African/African-American, 0.0027%; no homozygotes.

Submissions (2):

Ambry Genetics
Classification: Likely benign for Inborn genetic diseases. Last evaluated: 2025-10-21. Review status: criteria provided, single submitter. Criteria: Ambry Variant Classification Scheme 2023. Collection method: clinical testing. Allele origin: germline.

Labcorp Genetics (formerly Invitae), Labcorp
Classification: Uncertain significance. Last evaluated: 2024-11-21. Review status: criteria provided, single submitter. Criteria: Invitae Variant Classification Sherloc (09022015). Collection method: clinical testing. Allele origin: germline.
Comment: This sequence change replaces valine, which is neutral and non-polar, with alanine, which is neutral and non-polar, at codon 1060 of the DNAH9 protein (p.Val1060Ala). This variant is not present in population databases (gnomAD no frequency). This variant has not been reported in the literature in individuals affected with DNAH9-related conditions. Invitae Evidence Modeling of protein sequence and biophysical properties (such as structural, functional, and spatial information, amino acid conservation, physicochemical variation, residue mobility, and thermodynamic stability) indicates that this missense variant is not expected to disrupt DNAH9 protein function with a negative predictive value of 80%. In summary, the available evidence is currently insufficient to determine the role of this variant in disease. Therefore, it has been classified as a Variant of Uncertain Significance.

NM_001372.4(DNAH9):c.3179T>C (p.Val1060Ala)

Genes: DNAH9 (dynein axonemal heavy chain 9; plus strand), LOC126862505 (BRD4-independent group 4 enhancer GRCh37_chr17:11572478-11573677; plus strand). Cytogenetic location: 17p12.
Variant type: single nucleotide variant.
Coding change: c.3179T>C on transcript NM_001372.4 (MANE Select); coding-DNA position 3179, T replaced by C.
Protein change: p.Val1060Ala; replaces valine 1060 with alanine.
Molecular consequence: missense variant.
Genome position (GRCh38, 1-based): chr17:11,669,620, T>C. VCF-style: chr17-11669620-T-C. GRCh37 (hg19) VCF-style: chr17-11572937-T-C.
Other names: c.3179T>C (NM_001372.3); short protein forms V1060A.
Identifiers: ClinVar variation 3699633 (VCV003699633.2).